The following is an entry in ClinVar:

NM_001034853.2(RPGR):c.3183GGA[2] (p.Glu1066del)

Gene: RPGR (retinitis pigmentosa GTPase regulator; minus strand). Cytogenetic location: Xp11.4.
Variant type: Microsatellite.
Coding change: c.3183GGA[2] on transcript NM_001034853.2 (MANE Select); two copies in a row of the 3-base unit GGA starting at c.3183; the reference has three copies in a row; one copy, 3 bases deleted.
Protein change: p.Glu1066del; deletes glutamic acid 1066.
Molecular consequence: inframe deletion. On other transcripts: intron variant (8).
Genome position (GRCh38, 1-based): chrX:38,285,808-38,285,810, TCC deleted on the plus strand (GGA on the coding strand, the reverse complement: RPGR is on the minus strand); deleting any 3 consecutive bases within chrX:38,285,808-38,285,818 gives the same sequence; the position shown is the placement nearest the transcript's 3' end. VCF-style (leftmost placement, unchanged base first): chrX-38285807-TTCC-T. GRCh37 (hg19) VCF-style: chrX-38145060-TTCC-T.
Other names: NM_001034853.2(RPGR):c.3183GGA[2]; p.Glu1066del; c.3189_3191delGGA (NM_001034853.2, NM_001034853.1); c.1569+5143GGA[2] (NM_001367249.1, NM_001367250.1); c.1902+1278GGA[2] (NM_001367245.1); c.1386+5143GGA[2] (NM_001367251.1); c.1719+1278GGA[2] (NM_001367246.1); c.1572+5143GGA[2] (NM_001367247.1); and 2 more; short protein forms E1066del.
Identifiers: ClinVar variation 977528 (VCV000977528.18), dbSNP rs746535151, ClinGen allele CA10385176.

ClinVar aggregate classification (germline): Benign. Review status: reviewed by expert panel (3 of 4 stars). 8 submissions from 8 submitters: Benign (1). 7 of the submissions do not count toward it. Last evaluated 2025-05-20.

Conditions:
Retinal dystrophy. Also called: Inherited retinal dystrophy. Identifiers: Orphanet 71862, MedGen C0854723, MeSH D058499, MONDO:0019118, HP:0000556.
Primary ciliary dyskinesia. Also called: Ciliary dyskinesia. Identifiers: Orphanet 244, MedGen C0008780, MONDO:0016575, HP:0012265.
RPGR-related disorder. Also called: RPGR-related condition.
RPGR-related retinopathy. Also called: RPGR retinopathy. Identifiers: MedGen CN305589, MONDO:0100437.

Submissions (8):

ClinGen X-linked Inherited Retinal Disease Variant Curation Expert Panel, ClinGen
Classification: Benign for RPGR-related retinopathy. Last evaluated: 2025-05-20. Review status: reviewed by expert panel. Criteria: ClinGen X LinkedIRD ACMG Specifications RPGR V1.0.0. Collection method: curation. Allele origin: germline. Inheritance: X-linked inheritance.
Comment: NM_001034853.2(RPGR):c.3183GGA[2] (p.Glu1066del) is a short in-frame deletion of 3 base pairs that encode amino acid 1066, which occurs within a purine-rich repetitive region in RPGR (PMID: 28549772, BP3). This variant is present in gnomAD v.4.1.0. at a frequency of 0.0006798 among hemizygous individuals, with 268 variant alleles / 394,250 total alleles, which is higher than the ClinGen X-linked IRD VCEP BA1 threshold of >0.00005 (BA1). In summary, this variant is classified as benign for RPGR-related retinopathy based on the ClinGen X-linked Inherited Retinal Disease Expert Panel Specifications to the ACMG/AMP Variant Interpretation Guidelines for RPGR Version 1.0.0; BA1 and BP3. (date of approval 05/16/2025).

Labcorp Genetics (formerly Invitae), Labcorp
Classification: Likely benign for Primary ciliary dyskinesia. Last evaluated: 2026-02-04. Review status: criteria provided, single submitter. Criteria: Invitae Variant Classification Sherloc (09022015). Collection method: clinical testing. Allele origin: germline. Not counted in ClinVar's aggregate classification.

Blueprint Genetics
Classification: Likely benign. Last evaluated: 2024-11-06. Review status: criteria provided, single submitter. Criteria: ACMG Guidelines, 2015. Collection method: clinical testing. Allele origin: germline. Not counted in ClinVar's aggregate classification.

Dept Of Ophthalmology, Nagoya University
Classification: Likely benign for Retinal dystrophy. Last evaluated: 2023-10-01. Review status: criteria provided, single submitter. Criteria: Submitter's publication. Collection method: research. Allele origin: germline. Affected: yes. Not counted in ClinVar's aggregate classification.

UNC Molecular Genetics  Laboratory, University of North Carolina at Chapel Hill
Classification: Uncertain significance for Primary ciliary dyskinesia. Last evaluated: 2018-11-08. Review status: criteria provided, single submitter. Criteria: ACMG Guidelines, 2015. Collection method: clinical testing. Allele origin: germline. Observed: 1 heterozygote. Not counted in ClinVar's aggregate classification.

PreventionGenetics, part of Exact Sciences
Classification: Likely benign for RPGR-related condition. Last evaluated: 2024-09-16. Review status: no assertion criteria provided. Collection method: clinical testing. Allele origin: germline. Not counted in ClinVar's aggregate classification.
Comment: This variant is classified as likely benign based on ACMG/AMP sequence variant interpretation guidelines (Richards et al. 2015 PMID: 25741868, with internal and published modifications).

Clinical Genetics DNA and cytogenetics Diagnostics Lab, Erasmus MC, Erasmus Medical Center
Classification: Likely benign. Review status: no assertion criteria provided. Collection method: clinical testing. Allele origin: germline. Affected: yes. Study: VKGL Data-share Consensus. Not counted in ClinVar's aggregate classification.

Clinical Genetics, Academic Medical Center
Classification: Likely benign. Review status: no assertion criteria provided. Collection method: clinical testing. Allele origin: germline. Affected: yes. Study: VKGL Data-share Consensus. Not counted in ClinVar's aggregate classification.